The following is an entry in ClinVar:

ClinVar aggregate classification (germline): Conflicting classifications of pathogenicity. Review status: criteria provided, conflicting classifications (1 of 4 stars). 4 submissions from 4 submitters: Uncertain significance (2); Likely benign (2). Last evaluated 2024-02-17.

Conditions:
Finnish congenital nephrotic syndrome (NPHS1). Also called: NEPHROTIC SYNDROME, TYPE 1. Identifiers: Orphanet 839, MedGen C0403399, MONDO:0009732, OMIM 256300.

Allele frequency attached by ClinVar (database versions not stated): ExAC 0.00001; gnomAD exomes 0.00002; gnomAD 0.00003 and 0.00004; TOPMed 0.00003.
gnomAD v4.1: 174 of 1,613,418 alleles (0.011%); highest among the groups gnomAD compares: Non-Finnish European, 0.014%; no homozygotes.

Submissions (4):

Fulgent Genetics
Classification: Uncertain significance for Finnish congenital nephrotic syndrome. Last evaluated: 2024-02-17. Review status: criteria provided, single submitter. Criteria: ACMG Guidelines, 2015. Collection method: clinical testing. Allele origin: germline.

Labcorp Genetics (formerly Invitae), Labcorp
Classification: Uncertain significance. Last evaluated: 2022-03-03. Review status: criteria provided, single submitter. Criteria: Invitae Variant Classification Sherloc (09022015). Collection method: clinical testing. Allele origin: germline.
Comment: This sequence change affects codon 1055 of the NPHS1 mRNA. It is a 'silent' change, meaning that it does not change the encoded amino acid sequence of the NPHS1 protein. It affects a nucleotide within the consensus splice site. This variant is present in population databases (rs201738778, gnomAD 0.004%). This variant has not been reported in the literature in individuals affected with NPHS1-related conditions. ClinVar contains an entry for this variant (Variation ID: 259495). Algorithms developed to predict the effect of sequence changes on RNA splicing suggest that this variant may disrupt the consensus splice site. In summary, the available evidence is currently insufficient to determine the role of this variant in disease. Therefore, it has been classified as a Variant of Uncertain Significance.

Blueprint Genetics
Classification: Likely benign. Last evaluated: 2019-11-22. Review status: criteria provided, single submitter. Criteria: ACMG Guidelines, 2015. Collection method: clinical testing. Allele origin: germline.

PreventionGenetics, part of Exact Sciences
Classification: Likely benign. Review status: criteria provided, single submitter. Criteria: ACMG Guidelines, 2015. Collection method: clinical testing. Allele origin: germline.

NM_004646.4(NPHS1):c.3165A>T (p.Ser1055=)

Gene: NPHS1 (NPHS1 adhesion molecule, nephrin; minus strand). Cytogenetic location: 19q13.12.
Variant type: single nucleotide variant.
Coding change: c.3165A>T on transcript NM_004646.4 (MANE Select); coding-DNA position 3165, A replaced by T.
Protein change: p.Ser1055=; no amino-acid change (serine 1055 retained).
Molecular consequence: synonymous variant.
Genome position (GRCh38, 1-based): chr19:35,835,706, T>A on the plus strand (A>T on the coding strand, the complement: NPHS1 is on the minus strand). VCF-style: chr19-35835706-T-A. GRCh37 (hg19) VCF-style: chr19-36326608-T-A.
Identifiers: ClinVar variation 259495 (VCV000259495.5), dbSNP rs201738778, ClinGen allele CA9389905.
Genomic context (GRCh38, chr19:35,835,706, plus strand): 5'-GAGACCAGGAGGTTCCATTCTCAGGGGAGCCGGGAGGGATCAGGGGACTGAGGACTTGCC[T>A]GAAGGTGGCTCTGTGGGCAGCTGGTCTTCAGGTTCTCCAGAAGGCTGGTGGAGACCTGGG-3'
Protein context (NP_004637.1, residues 1045-1065): PEDQLPTEPP[Ser1055=]GPSGLPLLPV